The following is an entry in ClinVar:

ClinVar aggregate classification (germline): Pathogenic (1 of 4 stars; one submission).

Conditions:
Neuronal ceroid lipofuscinosis 13 (CLN13). Also called: CLN13 Disease; CEROID LIPOFUSCINOSIS, NEURONAL, 13 (KUFS TYPE). Identifiers: Orphanet 352709, Orphanet 79262, MedGen C3715049, MONDO:0014147, OMIM 615362.

Allele frequency attached by ClinVar (database versions not stated): ExAC 0.00001.
gnomAD v4.1: 3 of 1,614,176 alleles (0.00019%); highest among the groups gnomAD compares: Non-Finnish European, 0.00017%; no homozygotes.

Submission:

Labcorp Genetics (formerly Invitae), Labcorp
Classification: Pathogenic for Neuronal ceroid lipofuscinosis 13. Last evaluated: 2024-09-05. Review status: criteria provided, single submitter. Criteria: Invitae Variant Classification Sherloc (09022015). Collection method: clinical testing. Allele origin: germline.
Comment: This sequence change creates a premature translational stop signal (p.Gln222*) in the CTSF gene. It is expected to result in an absent or disrupted protein product. Loss-of-function variants in CTSF are known to be pathogenic (PMID: 23297359, 25274848). This variant is present in population databases (rs766762684, gnomAD 0.004%). This variant has not been reported in the literature in individuals affected with CTSF-related conditions. For these reasons, this variant has been classified as Pathogenic.

Literature cited by the submitters: PubMed 23297359; PubMed 25274848.

NM_003793.4(CTSF):c.664C>T (p.Gln222Ter)

Gene: CTSF (cathepsin F; minus strand). Cytogenetic location: 11q13.2.
Variant type: single nucleotide variant.
Coding change: c.664C>T on transcript NM_003793.4 (MANE Select); coding-DNA position 664, C replaced by T.
Protein change: p.Gln222Ter; replaces glutamine 222 with a stop codon.
Molecular consequence: nonsense.
Genome position (GRCh38, 1-based): chr11:66,566,348, G>A on the plus strand (C>T on the coding strand, the complement: CTSF is on the minus strand). VCF-style: chr11-66566348-G-A. GRCh37 (hg19) VCF-style: chr11-66333819-G-A.
Other names: short protein forms Q222*.
Identifiers: ClinVar variation 3018158 (VCV003018158.3), dbSNP rs766762684, ClinGen allele CA6125490.
Genomic context (GRCh38, chr11:66,566,348, plus strand): 5'-TACCTGTGAGATCACTGAACTTGGTGACTCCATACTGAGCTGTGCCACGGTCCAGGGCCT[G>A]GATCTTCTGTGCTCGCACCATGTTATTGACAAAGACGGACAGGCGCCACCGGGCTTCTGA-3'